The following is an entry in ClinVar:

ClinVar aggregate classification (germline): Uncertain significance. Review status: criteria provided, multiple submitters, no conflicts (2 of 4 stars). 3 submissions from 3 submitters: Uncertain significance (3). Last evaluated 2024-08-29.

Allele frequency attached by ClinVar (database versions not stated): gnomAD below 0.00001 and 0.00006; 1000 Genomes Project 0.00040; TOPMed 0.00001; ExAC 0.00034; 1000 Genomes Project 30x 0.00062; gnomAD exomes 0.00024.
gnomAD v4.1: 138 of 1,611,986 alleles (0.0086%); highest among the groups gnomAD compares: South Asian, 0.14%; 1 homozygote.

Submissions (3):

Revvity Omics, Revvity
Classification: Uncertain significance. Last evaluated: 2024-08-29. Review status: criteria provided, single submitter. Criteria: ACMG Guidelines, 2015. Collection method: clinical testing. Allele origin: germline.

Genetic Services Laboratory, University of Chicago
Classification: Uncertain significance. Last evaluated: 2016-03-23. Review status: criteria provided, single submitter. Criteria: ACMG Guidelines, 2015. Collection method: clinical testing. Allele origin: germline. Affected: no.

Laboratory for Molecular Medicine, Mass General Brigham Personalized Medicine
Classification: Uncertain significance. Last evaluated: 2015-02-02. Review status: criteria provided, single submitter. Criteria: LMM Criteria. Collection method: clinical testing. Allele origin: germline. Observed: 1 variant allele.
Comment: Variant classified as Uncertain Significance - Favor Benign. The p.Ala9891Glu va riant in TTN has not been previously reported in individuals with cardiomyopathy but has been identified in 0.25% (41/16508) of South Asian chromosomes by the E xome Aggregation Consortium (ExAC). Alanine (Ala ) at position 9891 is not conserved in mammals or evolutionarily distant species and 2 mammals (white rhinoceros and star nosed mole) carry a glutamic acid (Glu ) at this position, raising the possibility that this change may be tolerated. A dditional computational prediction tools suggest that the p.Ala9891Glu variant m ay not impact the protein, though this information is not predictive enough to r ule out pathogenicity. In summary, while the clinical significance of the p.Ala 9891Glu variant is uncertain, its frequency and lack of conservation suggest tha t it is more likely to be benign.

NM_001267550.2(TTN):c.33404C>A (p.Ala11135Glu)

Gene: TTN (titin; minus strand). Cytogenetic location: 2q31.2.
Variant type: single nucleotide variant.
Coding change: c.33404C>A on transcript NM_001267550.2 (MANE Select); coding-DNA position 33404, C replaced by A.
Protein change: p.Ala11135Glu; replaces alanine 11135 with glutamic acid.
Molecular consequence: missense variant. On other transcripts: intron variant (3).
Genome position (GRCh38, 1-based): chr2:178,680,268, G>T on the plus strand (C>A on the coding strand, the complement: TTN is on the minus strand). VCF-style: chr2-178680268-G-T. GRCh37 (hg19) VCF-style: chr2-179544995-G-T.
Other names: c.29672C>A, p.Ala9891Glu (NM_133378.4); c.32453C>A, p.Ala10818Glu (NM_001256850.1); c.13283-37951C>A (NM_003319.4); c.13859-37951C>A (NM_133437.4); c.13658-37951C>A (NM_133432.3); short protein forms A11135E, A9891E, A10818E.
Identifiers: ClinVar variation 229422 (VCV000229422.11), dbSNP rs577901623, ClinGen allele CA1998361.